The following is an entry in ClinVar:

ClinVar aggregate classification (germline): Benign/Likely benign. Review status: criteria provided, multiple submitters, no conflicts (2 of 4 stars). 10 submissions from 10 submitters: Benign (4); Likely benign (2). 4 of the submissions do not count toward it. Last evaluated 2026-02-03.

Conditions:
Cardiomyopathy (CMYO). Also called: Cardiomyopathies. Identifiers: Orphanet 167848, MedGen C0878544, MONDO:0004994, HP:0001638. Inheritance: Various modes of inheritance.
Hypertrophic cardiomyopathy 14. Identifiers: MedGen C2750467, MONDO:0013197, OMIM 613251.

Allele frequency attached by ClinVar (database versions not stated): 1000 Genomes Project 0.00839; TOPMed 0.00839; 1000 Genomes Project 30x 0.00843; ESP Exome Variant Server 0.00884.
gnomAD v4.1: 2,302 of 1,614,230 alleles (0.14%); highest among the groups gnomAD compares: African/African-American, 2.4%; 29 homozygotes.

Submissions (10):

Labcorp Genetics (formerly Invitae), Labcorp
Classification: Benign for Hypertrophic cardiomyopathy 14. Last evaluated: 2026-02-03. Review status: criteria provided, single submitter. Criteria: Invitae Variant Classification Sherloc (09022015). Collection method: clinical testing. Allele origin: germline.

ARUP Laboratories, Molecular Genetics and Genomics, ARUP Laboratories
Classification: Benign. Last evaluated: 2024-12-07. Review status: criteria provided, single submitter. Criteria: ARUP Molecular Germline Variant Investigation Process 2024. Collection method: clinical testing. Allele origin: germline.

GeneDx
Classification: Benign. Last evaluated: 2016-11-10. Review status: criteria provided, single submitter. Criteria: GeneDx Variant Classification (06012015). Collection method: clinical testing. Allele origin: germline. Affected: yes.
Comment: This variant is considered likely benign or benign based on one or more of the following criteria: it is a conservative change, it occurs at a poorly conserved position in the protein, it is predicted to be benign by multiple in silico algorithms, and/or has population frequency not consistent with disease.

CHEO Genetics Diagnostic Laboratory, Children's Hospital of Eastern Ontario
Classification: Likely benign for Cardiomyopathy. Last evaluated: 2016-10-07. Review status: criteria provided, single submitter. Criteria: ACMG Guidelines, 2015. Collection method: clinical testing. Allele origin: germline. Study: Canadian Open Genetics Repository.

Laboratory for Molecular Medicine, Mass General Brigham Personalized Medicine
Classification: Benign. Last evaluated: 2012-02-23. Review status: criteria provided, single submitter. Criteria: LMM Criteria. Collection method: clinical testing. Allele origin: germline. Observed: 12 variant alleles.
Comment: Ala936Ser in exon 22 of MYH6: This variant has been identified in 2.6% (99/3738) of African American chromosomes from a broad population by the NHLBI Exome Sequ encing Project (dbSNP rs141704264).

Breakthrough Genomics
Classification: Likely benign. Review status: criteria provided, single submitter. Criteria: ACMG Guidelines, 2015. Collection method: not provided. Allele origin: germline. Inheritance: Autosomal dominant inheritance. Affected: yes.

Clinical Genetics DNA and cytogenetics Diagnostics Lab, Erasmus MC, Erasmus Medical Center
Classification: Benign. Review status: no assertion criteria provided. Collection method: clinical testing. Allele origin: germline. Affected: yes. Study: VKGL Data-share Consensus. Not counted in ClinVar's aggregate classification.

Clinical Genetics, Academic Medical Center
Classification: Benign. Review status: no assertion criteria provided. Collection method: clinical testing. Allele origin: germline. Affected: yes. Study: VKGL Data-share Consensus. Not counted in ClinVar's aggregate classification.

Genome Diagnostics Laboratory, University Medical Center Utrecht
Classification: Benign. Review status: no assertion criteria provided. Collection method: clinical testing. Allele origin: germline. Affected: yes. Study: VKGL Data-share Consensus. Not counted in ClinVar's aggregate classification.

Joint Genome Diagnostic Labs from Nijmegen and Maastricht, Radboudumc and MUMC+
Classification: Likely benign. Review status: no assertion criteria provided. Collection method: clinical testing. Allele origin: germline. Affected: yes. Study: VKGL Data-share Consensus. Not counted in ClinVar's aggregate classification.

NM_002471.4(MYH6):c.2806G>T (p.Ala936Ser)

Gene: MYH6 (myosin heavy chain 6; minus strand). Cytogenetic location: 14q11.2.
Variant type: single nucleotide variant.
Coding change: c.2806G>T on transcript NM_002471.4 (MANE Select); coding-DNA position 2806, G replaced by T.
Protein change: p.Ala936Ser; replaces alanine 936 with serine.
Molecular consequence: missense variant.
Genome position (GRCh38, 1-based): chr14:23,393,788, C>A on the plus strand (G>T on the coding strand, the complement: MYH6 is on the minus strand). VCF-style: chr14-23393788-C-A. GRCh37 (hg19) VCF-style: chr14-23862997-C-A.
Other names: short protein forms A936S.
Identifiers: ClinVar variation 44471 (VCV000044471.32), dbSNP rs141704264, ClinGen allele CA134295.